The following is an entry in ClinVar:

NM_016729.3(FOLR1):c.373C>T (p.Arg125Cys)

Genes: FOLR1 (folate receptor alpha; plus strand), FOLR1-AS1 (FOLR1 antisense RNA 1; minus strand). Cytogenetic location: 11q13.4.
Variant type: single nucleotide variant.
Coding change: c.373C>T on transcript NM_016729.3 (MANE Select); coding-DNA position 373, C replaced by T.
Protein change: p.Arg125Cys; replaces arginine 125 with cysteine.
Molecular consequence: missense variant.
Genome position (GRCh38, 1-based): chr11:72,195,627, C>T. VCF-style: chr11-72195627-C-T. GRCh37 (hg19) VCF-style: chr11-71906671-C-T.
Other names: c.373C>T (NM_016725.2); c.373C>T, p.Arg125Cys (NM_000802.3, NM_016724.3, NM_016725.3); short protein forms R125C.
Identifiers: ClinVar variation 1685824 (VCV001685824.3), dbSNP rs752503322, ClinGen allele CA6169177.
Genomic context (GRCh38, chr11:72,195,627, plus strand): 5'-GGGATTCTTGAACCTGAGCCCTTCTTTTGTATCAAAATCACCCAGGTGGATCAGAGCTGG[C>T]GCAAAGAGCGGGTACTGAACGTGCCCCTGTGCAAAGAGGACTGTGAGCAATGGTGGGAAG-3'
Protein context (NP_057941.1, residues 115-135): PWIQQVDQSW[Arg125Cys]KERVLNVPLC

ClinVar aggregate classification (germline): Pathogenic/Likely pathogenic. Review status: criteria provided, multiple submitters, no conflicts (2 of 4 stars). 3 submissions from 3 submitters: Pathogenic (1); Likely pathogenic (2). Last evaluated 2026-05-06.

Conditions:
Cerebral folate transport deficiency. Also called: Neurodegenerative syndrome due to cerebral folate transport deficiency; NEURODEGENERATION DUE TO CEREBRAL FOLATE TRANSPORT DEFICIENCY; Cerebral folate deficiency syndrome; FOLR1-Related Cerebral Folate Transport Deficiency; FOLATE RECEPTOR DEFICIENCY. Identifiers: Orphanet 217382, MedGen C2751584, MONDO:0013110, OMIM 613068. Disease mechanism: loss of function.

Allele frequency attached by ClinVar (database versions not stated): TOPMed 0.00002; ExAC 0.00001; gnomAD exomes 0.00002; gnomAD 0.00004.
gnomAD v4.1: 20 of 1,614,070 alleles (0.0012%); highest among the groups gnomAD compares: African/African-American, 0.0027%; no homozygotes.

Submissions (3):

Women's Health and Genetics/Laboratory Corporation of America, LabCorp
Classification: Likely pathogenic for Cerebral folate transport deficiency. Last evaluated: 2026-05-06. Review status: criteria provided, single submitter. Criteria: LabCorp Variant Classification Summary - May 2015. Collection method: clinical testing. Allele origin: germline.
Comment: Variant summary: FOLR1 c.373C>T (p.Arg125Cys) results in a non-conservative amino acid change in the encoded protein sequence. Algorithms developed to predict the effect of missense changes on protein structure and function all suggest that this variant is likely to be disruptive. The variant allele was found at a frequency of 2.4e-05 in 251476 control chromosomes. c.373C>T has been observed in individuals affected with Cerebral folate transport deficiency (Delmelle_2016, owda_2025). These data indicate that the variant is likely to be associated with disease. To our knowledge, no experimental evidence demonstrating an impact on protein function has been reported. The following publications have been ascertained in the context of this evaluation (PMID: 27328863, 40840123). ClinVar contains an entry for this variant (Variation ID: 1685824). Based on the evidence outlined above, the variant was classified as likely pathogenic.

GeneDx
Classification: Likely pathogenic. Last evaluated: 2022-08-31. Review status: criteria provided, single submitter. Criteria: GeneDx Variant Classification Process June 2021. Collection method: clinical testing. Allele origin: germline. Affected: yes.
Comment: In silico analysis supports that this missense variant has a deleterious effect on protein structure/function; Not observed at significant frequency in large population cohorts (gnomAD); This variant is associated with the following publications: (PMID: 27328863)

Mendelics
Classification: Pathogenic for Cerebral folate transport deficiency. Last evaluated: 2022-05-04. Review status: criteria provided, single submitter. Criteria: Mendelics Assertion Criteria 2019. Collection method: clinical testing. Allele origin: germline.

Literature cited by the submitters: PubMed 27328863 (cited by Women's Health and Genetics/Laboratory Corporation of America, LabCorp); PubMed 40840123 (cited by Women's Health and Genetics/Laboratory Corporation of America, LabCorp).